The following is an entry in ClinVar:

NM_000206.3(IL2RG):c.635G>T (p.Ser212Ile)

Gene: IL2RG (interleukin 2 receptor subunit gamma; minus strand). Cytogenetic location: Xq13.1.
Variant type: single nucleotide variant.
Coding change: c.635G>T on transcript NM_000206.3 (MANE Select); coding-DNA position 635, G replaced by T.
Protein change: p.Ser212Ile; replaces serine 212 with isoleucine.
Molecular consequence: missense variant.
Genome position (GRCh38, 1-based): chrX:71,109,350, C>A on the plus strand (G>T on the coding strand, the complement: IL2RG is on the minus strand). VCF-style: chrX-71109350-C-A. GRCh37 (hg19) VCF-style: chrX-70329200-C-A.
Other names: c.635G>T, p.Ser212Ile (NM_001438870.1); short protein forms S212I.
Identifiers: ClinVar variation 5018154 (VCV005018154.1).
Genomic context (GRCh38, chrX:71,109,350, plus strand): 5'-CCACAGAGTGGGTTAAAGCGGCTCCGAACACGAAACGTGTAGCGTTTCTGCCCATCCACA[C>A]TAGGCAAGGAGAACTTATGTCTATAATCCACTGATTGTTCCTTGAGGAGAAAGAGGATGA-3'
Protein context (NP_000197.1, residues 202-222): VDYRHKFSLP[Ser212Ile]VDGQKRYTFR

ClinVar aggregate classification (germline): Uncertain significance (1 of 4 stars; one submission).

Submission:

GeneDx
Classification: Uncertain significance. Last evaluated: 2026-04-02. Review status: criteria provided, single submitter. Criteria: GeneDx Variant Classification Process June 2021. Collection method: clinical testing. Allele origin: germline.
Comment: Not observed at significant frequency in large population cohorts (gnomAD); In silico analysis supports that this missense variant has a deleterious effect on protein structure/function; Has not been previously published as pathogenic or benign to our knowledge